The following is an entry in ClinVar:

ClinVar aggregate classification (germline): Uncertain significance. Review status: criteria provided, multiple submitters, no conflicts (2 of 4 stars). 2 submissions from 2 submitters: Uncertain significance (2). Last evaluated 2024-11-09.

Conditions:
Hereditary cancer-predisposing syndrome. Also called: Neoplastic Syndromes, Hereditary; Tumor predisposition; Hereditary Cancer Syndrome; Hereditary neoplastic syndrome. Identifiers: Orphanet 140162, MedGen C0027672, MeSH D009386, MONDO:0015356.
Familial adenomatous polyposis 1 (FAP1). Also called: FAMILIAL ADENOMATOUS POLYPOSIS 1, ATTENUATED; POLYPOSIS, ADENOMATOUS INTESTINAL. Identifiers: MedGen C2713442, MONDO:0021056, OMIM 175100. Disease mechanism: loss of function.

Allele frequency attached by ClinVar (database versions not stated): TOPMed below 0.00001; gnomAD 0.00001.
gnomAD v4.1: 1 of 1,614,006 alleles (0.000062%); highest among the groups gnomAD compares: Non-Finnish European, 0.000085%; no homozygotes.

Submissions (2):

Labcorp Genetics (formerly Invitae), Labcorp
Classification: Uncertain significance for Familial adenomatous polyposis 1. Last evaluated: 2024-11-09. Review status: criteria provided, single submitter. Criteria: Invitae Variant Classification Sherloc (09022015). Collection method: clinical testing. Allele origin: germline.
Comment: This sequence change replaces histidine, which is basic and polar, with arginine, which is basic and polar, at codon 1153 of the APC protein (p.His1153Arg). This variant is not present in population databases (gnomAD no frequency). This variant has not been reported in the literature in individuals affected with APC-related conditions. ClinVar contains an entry for this variant (Variation ID: 482452). Invitae Evidence Modeling of protein sequence and biophysical properties (such as structural, functional, and spatial information, amino acid conservation, physicochemical variation, residue mobility, and thermodynamic stability) indicates that this missense variant is not expected to disrupt APC protein function with a negative predictive value of 95%. In summary, the available evidence is currently insufficient to determine the role of this variant in disease. Therefore, it has been classified as a Variant of Uncertain Significance.

Ambry Genetics
Classification: Uncertain significance for Hereditary cancer-predisposing syndrome. Last evaluated: 2024-10-02. Review status: criteria provided, single submitter. Criteria: Ambry Variant Classification Scheme 2023. Collection method: clinical testing. Allele origin: germline.
Comment: The p.H1153R variant (also known as c.3458A>G), located in coding exon 15 of the APC gene, results from an A to G substitution at nucleotide position 3458. The histidine at codon 1153 is replaced by arginine, an amino acid with highly similar properties. This amino acid position is well conserved in available vertebrate species. In addition, in silico predictors for this gene do not accurately predict pathogenicity. Missense alterations in APC are not a common cause of disease (Spier I et al. Genet Med. 2024 Feb;26(2):100992). Based on the available evidence, the clinical significance of this variant remains unclear.

NM_000038.6(APC):c.3458A>G (p.His1153Arg)

Gene: APC (APC regulator of Wnt signaling pathway; plus strand). Cytogenetic location: 5q22.2.
Variant type: single nucleotide variant.
Coding change: c.3458A>G on transcript NM_000038.6 (MANE Select); coding-DNA position 3458, A replaced by G.
Protein change: p.His1153Arg; replaces histidine 1153 with arginine.
Molecular consequence: missense variant.
Genome position (GRCh38, 1-based): chr5:112,839,052, A>G. VCF-style: chr5-112839052-A-G. GRCh37 (hg19) VCF-style: chr5-112174749-A-G.
Other names: c.3458A>G, p.His1153Arg (NM_001127510.3, NM_001354895.2); c.3404A>G, p.His1135Arg (NM_001127511.3); c.3335A>G, p.His1112Arg (NM_001354900.2); c.3512A>G, p.His1171Arg (NM_001354896.2); c.3488A>G, p.His1163Arg (NM_001354897.2); c.3383A>G, p.His1128Arg (NM_001354898.2); c.3374A>G, p.His1125Arg (NM_001354899.2); c.3281A>G, p.His1094Arg (NM_001354901.2); and 5 more; short protein forms H1135R, H1153R, H1094R, H1163R, H1027R, H1112R, H1128R, H1052R.
Identifiers: ClinVar variation 482452 (VCV000482452.16), dbSNP rs1554085017, ClinGen allele CA16028919.